The following is an entry in ClinVar:

ClinVar aggregate classification (germline): Uncertain significance (1 of 4 stars; one submission).

Conditions:
Hereditary cancer-predisposing syndrome. Also called: Hereditary Cancer Syndrome; Hereditary neoplastic syndrome; Neoplastic Syndromes, Hereditary; Tumor predisposition. Identifiers: Orphanet 140162, MedGen C0027672, MeSH D009386, MONDO:0015356.

Allele frequency attached by ClinVar (database versions not stated): gnomAD exomes below 0.00001.
gnomAD v4.1: 3 of 1,614,160 alleles (0.00019%); highest among the groups gnomAD compares: South Asian, 0.0011%; no homozygotes.

Submission:

Ambry Genetics
Classification: Uncertain significance for Hereditary cancer-predisposing syndrome. Last evaluated: 2020-07-08. Review status: criteria provided, single submitter. Criteria: Ambry Variant Classification Scheme 2023. Collection method: clinical testing. Allele origin: germline.
Comment: The p.S314G variant (also known as c.940A>G), located in coding exon 9 of the SMARCE1 gene, results from an A to G substitution at nucleotide position 940. The serine at codon 314 is replaced by glycine, an amino acid with similar properties. This amino acid position is not well conserved in available vertebrate species. In addition, this alteration is predicted to be tolerated by in silico analysis. Since supporting evidence is limited at this time, the clinical significance of this alteration remains unclear.

NM_003079.5(SMARCE1):c.940A>G (p.Ser314Gly)

Gene: SMARCE1 (SWI/SNF related BAF chromatin remodeling complex subunit E1; minus strand). Cytogenetic location: 17q21.2.
Variant type: single nucleotide variant.
Coding change: c.940A>G on transcript NM_003079.5 (MANE Select); coding-DNA position 940, A replaced by G.
Protein change: p.Ser314Gly; replaces serine 314 with glycine.
Molecular consequence: missense variant.
Genome position (GRCh38, 1-based): chr17:40,630,801, T>C on the plus strand (A>G on the coding strand, the complement: SMARCE1 is on the minus strand). VCF-style: chr17-40630801-T-C. GRCh37 (hg19) VCF-style: chr17-38787053-T-C.
Other names: short protein forms S314G.
Identifiers: ClinVar variation 1766870 (VCV001766870.2), dbSNP rs2508595961, ClinGen allele CA399363529.